The following is an entry in ClinVar:

ClinVar aggregate classification (germline): Uncertain significance (1 of 4 stars; one submission).

Allele frequency attached by ClinVar (database versions not stated): gnomAD exomes 0.00001.
gnomAD v4.1: 4 of 1,614,176 alleles (0.00025%); highest among the groups gnomAD compares: Non-Finnish European, 0.00034%; no homozygotes.

Submission:

Labcorp Genetics (formerly Invitae), Labcorp
Classification: Uncertain significance. Last evaluated: 2025-12-24. Review status: criteria provided, single submitter. Criteria: Invitae Variant Classification Sherloc (09022015). Collection method: clinical testing. Allele origin: germline.
Comment: This sequence change replaces glutamine, which is neutral and polar, with glutamic acid, which is acidic and polar, at codon 955 of the IGSF10 protein (p.Gln955Glu). This variant is not present in population databases (gnomAD no frequency). This variant has not been reported in the literature in individuals affected with IGSF10-related conditions. ClinVar contains an entry for this variant (Variation ID: 1931648). An algorithm developed to predict the effect of missense changes on protein structure and function outputs the following: PolyPhen-2: "Benign". The glutamic acid amino acid residue is found in multiple mammalian species, which suggests that this missense change does not adversely affect protein function. In summary, the available evidence is currently insufficient to determine the role of this variant in disease. Therefore, it has been classified as a Variant of Uncertain Significance.

NM_178822.5(IGSF10):c.2863C>G (p.Gln955Glu)

Gene: IGSF10 (immunoglobulin superfamily member 10; minus strand). Cytogenetic location: 3q25.1.
Variant type: single nucleotide variant.
Coding change: c.2863C>G on transcript NM_178822.5 (MANE Select); coding-DNA position 2863, C replaced by G.
Protein change: p.Gln955Glu; replaces glutamine 955 with glutamic acid.
Molecular consequence: missense variant.
Genome position (GRCh38, 1-based): chr3:151,447,118, G>C on the plus strand (C>G on the coding strand, the complement: IGSF10 is on the minus strand). VCF-style: chr3-151447118-G-C. GRCh37 (hg19) VCF-style: chr3-151164906-G-C.
Other names: c.2863C>G, p.Gln955Glu (NM_001385060.1, NM_001385061.1, NM_001385062.1 and 1 more transcripts); short protein forms Q955E.
Identifiers: ClinVar variation 1931648 (VCV001931648.5), dbSNP rs2474496849, ClinGen allele CA354999322.